The following is an entry in ClinVar:

ClinVar aggregate classification (germline): Uncertain significance. Review status: criteria provided, multiple submitters, no conflicts (2 of 4 stars). 2 submissions from 2 submitters: Uncertain significance (2). Last evaluated 2023-06-27.

Allele frequency attached by ClinVar (database versions not stated): gnomAD 0.00001; TOPMed 0.00004.
gnomAD v4.1: 5 of 1,375,808 alleles (0.00036%); highest among the groups gnomAD compares: African/African-American, 0.0076%; no homozygotes.

Submissions (2):

GeneDx
Classification: Uncertain significance. Last evaluated: 2023-06-27. Review status: criteria provided, single submitter. Criteria: GeneDx Variant Classification Process June 2021. Collection method: clinical testing. Allele origin: germline. Affected: yes.
Comment: Not observed at significant frequency in large population cohorts (gnomAD); In silico analysis supports that this missense variant does not alter protein structure/function; Has not been previously published as pathogenic or benign to our knowledge

Women's Health and Genetics/Laboratory Corporation of America, LabCorp
Classification: Uncertain significance. Last evaluated: 2022-11-16. Review status: criteria provided, single submitter. Criteria: LabCorp Variant Classification Summary - May 2015. Collection method: clinical testing. Allele origin: germline.
Comment: Variant summary: KDM3B c.92C>T (p.Ala31Val) results in a non-conservative amino acid change in the encoded protein sequence. Three of four in-silico tools predict a benign effect of the variant on protein function. The variant was absent in 54600 control chromosomes (gnomAD). The available data on variant occurrences in the general population are insufficient to allow any conclusion about variant significance. To our knowledge, no occurrence of c.92C>T in individuals affected with KDM3B-Related Disorders and no experimental evidence demonstrating its impact on protein function have been reported. No clinical diagnostic laboratories have submitted clinical-significance assessments for this variant to ClinVar after 2014. Based on the evidence outlined above, the variant was classified as uncertain significance.

NM_016604.4(KDM3B):c.92C>T (p.Ala31Val)

Genes: KDM3B (lysine demethylase 3B; plus strand), LOC129994737 (ATAC-STARR-seq lymphoblastoid silent region 16394; plus strand). Cytogenetic location: 5q31.2.
Variant type: single nucleotide variant.
Coding change: c.92C>T on transcript NM_016604.4 (MANE Select); coding-DNA position 92, C replaced by T.
Protein change: p.Ala31Val; replaces alanine 31 with valine.
Molecular consequence: missense variant.
Genome position (GRCh38, 1-based): chr5:138,352,887, C>T. VCF-style: chr5-138352887-C-T. GRCh37 (hg19) VCF-style: chr5-137688576-C-T.
Other names: short protein forms A31V.
Identifiers: ClinVar variation 1804810 (VCV001804810.2), dbSNP rs942700667, ClinGen allele CA128159315.